The following is an entry in ClinVar:

ClinVar aggregate classification (germline): Uncertain significance (1 of 4 stars; one submission).

Submission:

Labcorp Genetics (formerly Invitae), Labcorp
Classification: Uncertain significance. Last evaluated: 2022-06-22. Review status: criteria provided, single submitter. Criteria: Invitae Variant Classification Sherloc (09022015). Collection method: clinical testing. Allele origin: germline.
Comment: In summary, the available evidence is currently insufficient to determine the role of this variant in disease. Therefore, it has been classified as a Variant of Uncertain Significance. Algorithms developed to predict the effect of missense changes on protein structure and function are either unavailable or do not agree on the potential impact of this missense change (SIFT: "Tolerated"; PolyPhen-2: "Not Available"; Align-GVGD: "Class C0"). This variant has not been reported in the literature in individuals affected with EIF2AK3-related conditions. This variant is not present in population databases (gnomAD no frequency). This sequence change replaces threonine, which is neutral and polar, with methionine, which is neutral and non-polar, at codon 27 of the EIF2AK3 protein (p.Thr27Met).

NM_004836.7(EIF2AK3):c.80C>T (p.Thr27Met)

Gene: EIF2AK3 (eukaryotic translation initiation factor 2 alpha kinase 3; minus strand). Cytogenetic location: 2p11.2.
Variant type: single nucleotide variant.
Coding change: c.80C>T on transcript NM_004836.7 (MANE Select); coding-DNA position 80, C replaced by T.
Protein change: p.Thr27Met; replaces threonine 27 with methionine.
Molecular consequence: missense variant.
Genome position (GRCh38, 1-based): chr2:88,627,195, G>A on the plus strand (C>T on the coding strand, the complement: EIF2AK3 is on the minus strand). VCF-style: chr2-88627195-G-A. GRCh37 (hg19) VCF-style: chr2-88926713-G-A.
Other names: short protein forms T27M.
Identifiers: ClinVar variation 2113356 (VCV002113356.4), dbSNP rs2528309459, ClinGen allele CA347763514.